The following is an entry in ClinVar:

ClinVar aggregate classification (germline): Uncertain significance (1 of 4 stars; one submission).

Submission:

GeneDx
Classification: Uncertain significance. Last evaluated: 2024-12-11. Review status: criteria provided, single submitter. Criteria: GeneDx Variant Classification Process June 2021. Collection method: clinical testing. Allele origin: germline. Affected: yes.
Comment: Not observed at significant frequency in large population cohorts (gnomAD); In silico analysis supports that this missense variant has a deleterious effect on protein structure/function; Has not been previously published as pathogenic or benign to our knowledge

NM_001110556.2(FLNA):c.1828G>C (p.Gly610Arg)

Gene: FLNA (filamin A; minus strand). Cytogenetic location: Xq28.
Variant type: single nucleotide variant.
Coding change: c.1828G>C on transcript NM_001110556.2 (MANE Select); coding-DNA position 1828, G replaced by C.
Protein change: p.Gly610Arg; replaces glycine 610 with arginine.
Molecular consequence: missense variant.
Genome position (GRCh38, 1-based): chrX:154,364,821, C>G on the plus strand (G>C on the coding strand, the complement: FLNA is on the minus strand). VCF-style: chrX-154364821-C-G. GRCh37 (hg19) VCF-style: chrX-153593189-C-G.
Other names: c.1828G>C, p.Gly610Arg (NM_001456.4); short protein forms G610R.
Identifiers: ClinVar variation 3903322 (VCV003903322.1).
Genomic context (GRCh38, chrX:154,364,821, plus strand): 5'-GGGTGGGCCGTCCTTGCCATCGTCTGTCCCCAGGTGCCCATGCTGCAGCCTCCAACTTAC[C>G]CAGCGTGCCCACGTCGTCCCCGATAGCCTCCACCACAAAGTCTGCTGACTTGCCAACGAC-3'
Protein context (NP_001104026.1, residues 600-620): EAIGDDVGTL[Gly610Arg]FSVEGPSQAK